The following is an entry in ClinVar:

NM_001197104.2(KMT2A):c.292T>G (p.Ser98Ala)

Gene: KMT2A (lysine methyltransferase 2A; plus strand). Cytogenetic location: 11q23.3.
Variant type: single nucleotide variant.
Coding change: c.292T>G on transcript NM_001197104.2 (MANE Select); coding-DNA position 292, T replaced by G.
Protein change: p.Ser98Ala; replaces serine 98 with alanine.
Molecular consequence: missense variant.
Genome position (GRCh38, 1-based): chr11:118,436,804, T>G. VCF-style: chr11-118436804-T-G. GRCh37 (hg19) VCF-style: chr11-118307519-T-G.
Other names: c.292T>G, p.Ser98Ala (NM_001412597.1, NM_005933.4); short protein forms S98A.
Identifiers: ClinVar variation 3634295 (VCV003634295.2).

ClinVar aggregate classification (germline): Uncertain significance (1 of 4 stars; one submission).

Submission:

Labcorp Genetics (formerly Invitae), Labcorp
Classification: Uncertain significance. Last evaluated: 2024-05-20. Review status: criteria provided, single submitter. Criteria: Invitae Variant Classification Sherloc (09022015). Collection method: clinical testing. Allele origin: germline.
Comment: This sequence change replaces serine, which is neutral and polar, with alanine, which is neutral and non-polar, at codon 98 of the KMT2A protein (p.Ser98Ala). This variant is not present in population databases (gnomAD no frequency). This variant has not been reported in the literature in individuals affected with KMT2A-related conditions. Algorithms developed to predict the effect of missense changes on protein structure and function output the following: SIFT: "Not Available"; PolyPhen-2: "Not Available"; Align-GVGD: "Not Available". The alanine amino acid residue is found in multiple mammalian species, which suggests that this missense change does not adversely affect protein function. In summary, the available evidence is currently insufficient to determine the role of this variant in disease. Therefore, it has been classified as a Variant of Uncertain Significance.